The following is an entry in ClinVar:

NM_014974.3(DIP2C):c.2029G>A (p.Val677Ile)

Gene: DIP2C (DIP2 acetate--CoA ligase C (putative); minus strand). Cytogenetic location: 10p15.3.
Variant type: single nucleotide variant.
Coding change: c.2029G>A on transcript NM_014974.3 (MANE Select); coding-DNA position 2029, G replaced by A.
Protein change: p.Val677Ile; replaces valine 677 with isoleucine.
Molecular consequence: missense variant.
Genome position (GRCh38, 1-based): chr10:369,596, C>T on the plus strand (G>A on the coding strand, the complement: DIP2C is on the minus strand). VCF-style: chr10-369596-C-T. GRCh37 (hg19) VCF-style: chr10-415536-C-T.
Other names: short protein forms V677I.
Identifiers: ClinVar variation 3688504 (VCV003688504.2).

ClinVar aggregate classification (germline): Uncertain significance (1 of 4 stars; one submission).

gnomAD v4.1: 1 of 1,613,566 alleles (0.000062%); highest among the groups gnomAD compares: African/African-American, 0.0013%; no homozygotes.

Submission:

Labcorp Genetics (formerly Invitae), Labcorp
Classification: Uncertain significance. Last evaluated: 2024-07-10. Review status: criteria provided, single submitter. Criteria: Invitae Variant Classification Sherloc (09022015). Collection method: clinical testing. Allele origin: germline.
Comment: This sequence change replaces valine, which is neutral and non-polar, with isoleucine, which is neutral and non-polar, at codon 677 of the DIP2C protein (p.Val677Ile). This variant is not present in population databases (gnomAD no frequency). This variant has not been reported in the literature in individuals affected with DIP2C-related conditions. An algorithm developed to predict the effect of missense changes on protein structure and function (PolyPhen-2) suggests that this variant is likely to be tolerated. In summary, the available evidence is currently insufficient to determine the role of this variant in disease. Therefore, it has been classified as a Variant of Uncertain Significance.